The following is an entry in ClinVar:

ClinVar aggregate classification (germline): Likely benign. Review status: criteria provided, multiple submitters, no conflicts (2 of 4 stars). 7 submissions from 7 submitters: Likely benign (7). Last evaluated 2026-01-05.

Conditions:
Cardiovascular phenotype. Identifiers: MedGen CN230736.
Autosomal recessive limb-girdle muscular dystrophy type 2J (LGMDR10). Also called: Limb-girdle muscular dystrophy, type 2J; MUSCULAR DYSTROPHY, LIMB-GIRDLE, AUTOSOMAL RECESSIVE 10. Identifiers: Orphanet 140922, MedGen C1837342, MONDO:0012127, OMIM 608807.
Dilated cardiomyopathy 1G (CMD1G). Identifiers: Orphanet 154, MedGen C1858763, MONDO:0011400, OMIM 604145.

Allele frequency attached by ClinVar (database versions not stated): gnomAD 0.00003 and 0.00004; gnomAD exomes 0.00003 and 0.00004; TOPMed 0.00003; ExAC 0.00005; ESP Exome Variant Server 0.00008.
gnomAD v4.1: 61 of 1,613,792 alleles (0.0038%); highest among the groups gnomAD compares: Middle Eastern, 0.16%; no homozygotes.

Submissions (7):

Labcorp Genetics (formerly Invitae), Labcorp
Classification: Likely benign for Dilated cardiomyopathy 1G; Autosomal recessive limb-girdle muscular dystrophy type 2J. Last evaluated: 2026-01-05. Review status: criteria provided, single submitter. Criteria: Invitae Variant Classification Sherloc (09022015). Collection method: clinical testing. Allele origin: germline.

Blueprint Genetics
Classification: Likely benign. Last evaluated: 2024-08-06. Review status: criteria provided, single submitter. Criteria: ACMG Guidelines, 2015. Collection method: clinical testing. Allele origin: germline.

CeGaT Center for Human Genetics Tuebingen
Classification: Likely benign. Last evaluated: 2023-12-01. Review status: criteria provided, single submitter. Criteria: CeGaT Center For Human Genetics Tuebingen Variant Classification Criteria Version 2. Collection method: clinical testing. Allele origin: germline. Affected: yes. Observed: 3 variant alleles.
Comment: TTN: BP4, BP7

Ambry Genetics
Classification: Likely benign for Cardiovascular phenotype. Last evaluated: 2022-11-27. Review status: criteria provided, single submitter. Criteria: Ambry Variant Classification Scheme 2023. Collection method: clinical testing. Allele origin: germline.

GeneDx
Classification: Likely benign. Last evaluated: 2019-04-22. Review status: criteria provided, single submitter. Criteria: GeneDx Variant Classification Process June 2021. Collection method: clinical testing. Allele origin: germline. Affected: yes.

Breakthrough Genomics
Classification: Likely benign. Review status: criteria provided, single submitter. Criteria: ACMG Guidelines, 2015. Collection method: not provided. Allele origin: germline. Inheritance: Autosomal recessive inheritance. Affected: yes.

PreventionGenetics, part of Exact Sciences
Classification: Likely benign. Review status: criteria provided, single submitter. Criteria: ACMG Guidelines, 2015. Collection method: clinical testing. Allele origin: germline.

NM_001267550.2(TTN):c.102966T>C (p.Ser34322=)

Genes: TTN (titin; minus strand), TTN-AS1 (TTN antisense RNA 1; plus strand). Cytogenetic location: 2q31.2.
Variant type: single nucleotide variant.
Coding change: c.102966T>C on transcript NM_001267550.2 (MANE Select); coding-DNA position 102966, T replaced by C.
Protein change: p.Ser34322=; no amino-acid change (serine 34322 retained).
Molecular consequence: synonymous variant.
Genome position (GRCh38, 1-based): chr2:178,533,649, A>G on the plus strand (T>C on the coding strand, the complement: TTN is on the minus strand). VCF-style: chr2-178533649-A-G. GRCh37 (hg19) VCF-style: chr2-179398376-A-G.
Other names: c.98043T>C, p.Ser32681= (NM_001256850.1); c.75771T>C, p.Ser25257= (NM_003319.4); c.95262T>C, p.Ser31754= (NM_133378.4); c.76146T>C, p.Ser25382= (NM_133432.3); c.76347T>C, p.Ser25449= (NM_133437.4).
Identifiers: ClinVar variation 262337 (VCV000262337.47), dbSNP rs200172231, ClinGen allele CA1985675.